The following is an entry in ClinVar:

NM_080680.3(COL11A2):c.2520G>A (p.Arg840=)

Gene: COL11A2 (collagen type XI alpha 2 chain; minus strand). Cytogenetic location: 6p21.32.
Variant type: single nucleotide variant.
Coding change: c.2520G>A on transcript NM_080680.3 (MANE Select); coding-DNA position 2520, G replaced by A.
Protein change: p.Arg840=; no amino-acid change (arginine 840 retained).
Molecular consequence: synonymous variant.
Genome position (GRCh38, 1-based): chr6:33,174,020, C>T on the plus strand (G>A on the coding strand, the complement: COL11A2 is on the minus strand). VCF-style: chr6-33174020-C-T. GRCh37 (hg19) VCF-style: chr6-33141797-C-T.
Other names: c.2199G>A, p.Arg733= (NM_080679.3); c.2262G>A, p.Arg754= (NM_080681.3).
Identifiers: ClinVar variation 46559 (VCV000046559.27), dbSNP rs117237998, ClinGen allele CA138620.

ClinVar aggregate classification (germline): Benign/Likely benign. Review status: criteria provided, multiple submitters, no conflicts (2 of 4 stars). 11 submissions from 10 submitters: Benign (10); Likely benign (1). Last evaluated 2026-05-11.

Conditions:
Connective tissue disorder. Also called: Connective tissue disease. Identifiers: MedGen C0009782, MONDO:0003900.
Fibrochondrogenesis 2 (FBCG2). Identifiers: Orphanet 2021, MedGen C3281128, MONDO:0013795, OMIM 614524.
Otospondylomegaepiphyseal dysplasia, autosomal recessive (OSMEDB). Also called: Insley-Astley syndrome; CHONDRODYSTROPHY WITH SENSORINEURAL DEAFNESS. Identifiers: Orphanet 1427, MedGen CN034493, MONDO:0044206, OMIM 215150.

Allele frequency attached by ClinVar (database versions not stated): 1000 Genomes Project 0.01637; ESP Exome Variant Server 0.00024; gnomAD 0.00345; 1000 Genomes Project 30x 0.01499; TOPMed 0.00272; ExAC 0.00488.

Submissions (11):

Women's Health and Genetics/Laboratory Corporation of America, LabCorp
Classification: Benign. Last evaluated: 2026-05-11. Review status: criteria provided, single submitter. Criteria: LabCorp Variant Classification Summary - May 2015. Collection method: clinical testing. Allele origin: germline.

Labcorp Genetics (formerly Invitae), Labcorp
Classification: Benign. Last evaluated: 2026-02-02. Review status: criteria provided, single submitter. Criteria: Invitae Variant Classification Sherloc (09022015). Collection method: clinical testing. Allele origin: germline.

ARUP Laboratories, Molecular Genetics and Genomics, ARUP Laboratories
Classification: Benign. Last evaluated: 2023-11-03. Review status: criteria provided, single submitter. Criteria: ARUP Molecular Germline Variant Investigation Process 2024. Collection method: clinical testing. Allele origin: germline.

Genome Diagnostics Laboratory, The Hospital for Sick Children
Classification: Benign for Connective tissue disorder. Last evaluated: 2022-06-30. Review status: criteria provided, single submitter. Criteria: ACMG Guidelines, 2015. Collection method: clinical testing. Allele origin: germline.

Athena Diagnostics
Classification: Benign. Last evaluated: 2019-05-15. Review status: criteria provided, single submitter. Criteria: Athena Diagnostics Criteria. Collection method: clinical testing. Allele origin: germline.

Illumina Laboratory Services, Illumina
Classification: Benign for Otospondylomegaepiphyseal dysplasia, autosomal recessive. Last evaluated: 2018-01-13. Review status: criteria provided, single submitter. Criteria: ICSL Variant Classification Criteria 13 December 2019. Collection method: clinical testing. Allele origin: germline.
Comment: This variant was observed in the ICSL laboratory as part of a predisposition screen in an ostensibly healthy population. It had not been previously curated by ICSL or reported in the Human Gene Mutation Database (HGMD: prior to June 1st, 2018), and was therefore a candidate for classification through an automated scoring system. Utilizing variant allele frequency, disease prevalence and penetrance estimates, and inheritance mode, an automated score was calculated to assess if this variant is too frequent to cause the disease. Based on the score and internal cut-off values, a variant classified as benign is not then subjected to further curation. The score for this variant resulted in a classification of benign for this disease.

Illumina Laboratory Services, Illumina
Classification: Benign for Fibrochondrogenesis 2. Last evaluated: 2018-01-13. Review status: criteria provided, single submitter. Criteria: ICSL Variant Classification Criteria 13 December 2019. Collection method: clinical testing. Allele origin: germline.
Comment: the same text as in the submission from Illumina Laboratory Services, Illumina above.

GeneDx
Classification: Benign. Last evaluated: 2017-06-15. Review status: criteria provided, single submitter. Criteria: GeneDx Variant Classification (06012015). Collection method: clinical testing. Allele origin: germline. Affected: yes.
Comment: This variant is considered likely benign or benign based on one or more of the following criteria: it is a conservative change, it occurs at a poorly conserved position in the protein, it is predicted to be benign by multiple in silico algorithms, and/or has population frequency not consistent with disease.

Eurofins Ntd Llc (ga)
Classification: Benign. Last evaluated: 2014-10-20. Review status: criteria provided, single submitter. Criteria: EGL Classification Definitions 2015. Collection method: clinical testing. Allele origin: germline. Observed: 1 variant allele, 1 heterozygote.

Laboratory for Molecular Medicine, Mass General Brigham Personalized Medicine
Classification: Benign. Last evaluated: 2012-05-07. Review status: criteria provided, single submitter. Criteria: LMM Criteria. Collection method: clinical testing. Allele origin: germline. Observed: 19 variant alleles.
Comment: "Arg840Arg in Exon 33 of COL11A2: This variant is not expected to have clinical significance because it does not alter an amino acid residue, is not located wit hin the splice consensus sequence, and has been identified in 5.0% (6/120) of ch romosomes from a population in the dbSNP database (rojects/SNP; rs117237998)."

Breakthrough Genomics
Classification: Likely benign. Review status: criteria provided, single submitter. Criteria: ACMG Guidelines, 2015. Collection method: not provided. Allele origin: germline. Inheritance: Autosomal recessive inheritance. Affected: yes.